The following is an entry in ClinVar:

ClinVar aggregate classification (germline): Benign. Review status: criteria provided, multiple submitters, no conflicts (2 of 4 stars). 9 submissions from 9 submitters: Benign (6). 3 of the submissions do not count toward it. Last evaluated 2026-05-08.

Conditions:
Geleophysic dysplasia 1 (GPHYSD1). Also called: Geleophysic dwarfism. Identifiers: Orphanet 2623, MedGen C3278147, MONDO:0009269, OMIM 231050.

Allele frequency attached by ClinVar (database versions not stated): 1000 Genomes Project 30x 0.74360; TOPMed 0.83588; gnomAD 0.85656; ESP Exome Variant Server 0.87713.
gnomAD v4.1: 1,423,425 of 1,611,024 alleles (88%); highest among the groups gnomAD compares: Non-Finnish European, 92%; 635,767 homozygotes.

Submissions (10):

Women's Health and Genetics/Laboratory Corporation of America, LabCorp
Classification: Benign. Last evaluated: 2026-05-08. Review status: criteria provided, single submitter. Criteria: LabCorp Variant Classification Summary - May 2015. Collection method: clinical testing. Allele origin: germline.

Blueprint Genetics
Classification: Benign. Last evaluated: 2024-11-27. Review status: criteria provided, single submitter. Criteria: ACMG Guidelines, 2015. Collection method: clinical testing. Allele origin: germline.

Genome-Nilou Lab
Classification: Benign for Geleophysic dysplasia 1. Last evaluated: 2021-07-14. Review status: criteria provided, single submitter. Criteria: ACMG Guidelines, 2015. Collection method: clinical testing. Allele origin: germline. Affected: no.

GeneDx
Classification: Benign. Last evaluated: 2018-06-19. Review status: criteria provided, single submitter. Criteria: GeneDx Variant Classification (06012015). Collection method: clinical testing. Allele origin: germline. Affected: yes.
Comment: This variant is considered likely benign or benign based on one or more of the following criteria: it is a conservative change, it occurs at a poorly conserved position in the protein, it is predicted to be benign by multiple in silico algorithms, and/or has population frequency not consistent with disease.

Illumina Laboratory Services, Illumina
Classification: Benign for Geleophysic dysplasia 1. Last evaluated: 2018-01-13. Review status: criteria provided, single submitter. Criteria: ICSL Variant Classification Criteria 13 December 2019. Collection method: clinical testing. Allele origin: germline.
Comment: This variant was observed in the ICSL laboratory as part of a predisposition screen in an ostensibly healthy population. It had not been previously curated by ICSL or reported in the Human Gene Mutation Database (HGMD: prior to June 1st, 2018), and was therefore a candidate for classification through an automated scoring system. Utilizing variant allele frequency, disease prevalence and penetrance estimates, and inheritance mode, an automated score was calculated to assess if this variant is too frequent to cause the disease. Based on the score and internal cut-off values, a variant classified as benign is not then subjected to further curation. The score for this variant resulted in a classification of benign for this disease.

Breakthrough Genomics
Classification: Benign. Review status: criteria provided, single submitter. Criteria: ACMG Guidelines, 2015. Collection method: not provided. Allele origin: germline. Inheritance: Autosomal recessive inheritance. Affected: yes.

Diagnostic Laboratory, Department of Genetics, University Medical Center Groningen
Classification: Benign for Geleophysic dysplasia 1. Review status: no assertion criteria provided. Collection method: clinical testing. Allele origin: germline. Affected: yes. Study: VKGL Data-share Consensus. Not counted in ClinVar's aggregate classification.

Dr. Peter K. Rogan Lab, Western University
No classification provided (evidence only). Condition: Familial cancer of breast. Review status: no classification provided. Collection method: in vitro. Allele origin: not applicable. Functional consequence: retained intron. Not counted in ClinVar's aggregate classification.

Genome Diagnostics Laboratory, Amsterdam University Medical Center
Classification: Benign. Review status: no assertion criteria provided. Collection method: clinical testing. Allele origin: germline. Affected: yes. Study: VKGL Data-share Consensus. Not counted in ClinVar's aggregate classification.

Joint Genome Diagnostic Labs from Nijmegen and Maastricht, Radboudumc and MUMC+
Classification: Benign. Review status: no assertion criteria provided. Collection method: clinical testing. Allele origin: germline. Affected: yes. Study: VKGL Data-share Consensus. Not counted in ClinVar's aggregate classification.

NM_014694.4(ADAMTSL2):c.683-12T>G

Gene: ADAMTSL2 (ADAMTS like 2; plus strand). Cytogenetic location: 9q34.2.
Variant type: single nucleotide variant.
Coding change: c.683-12T>G on transcript NM_014694.4 (MANE Select); 12 bases into the intron before coding-DNA position 683, T replaced by G.
Molecular consequence: intron variant.
Genome position (GRCh38, 1-based): chr9:133,544,458, T>G. VCF-style: chr9-133544458-T-G. GRCh37 (hg19) VCF-style: chr9-136409580-T-G.
Other names: c.683-12T>G (NM_001145320.2).
Identifiers: ClinVar variation 365578 (VCV000365578.15), dbSNP rs9802778, ClinGen allele CA5312722.